The following is an entry in ClinVar:

NM_152542.5(PPM1K):c.708-5A>G

Gene: PPM1K (protein phosphatase, Mg2+/Mn2+ dependent 1K; minus strand). Cytogenetic location: 4q22.1.
Variant type: single nucleotide variant.
Coding change: c.708-5A>G on transcript NM_152542.5 (MANE Select); 5 bases into the intron before coding-DNA position 708, A replaced by G.
Molecular consequence: intron variant.
Genome position (GRCh38, 1-based): chr4:88,268,339, T>C on the plus strand (A>G on the coding strand, the complement: PPM1K is on the minus strand). VCF-style: chr4-88268339-T-C. GRCh37 (hg19) VCF-style: chr4-89189491-T-C.
Identifiers: ClinVar variation 729996 (VCV000729996.13), dbSNP rs192622849, ClinGen allele CA3005180.

ClinVar aggregate classification (germline): Likely benign. Review status: criteria provided, single submitter (1 of 4 stars). 2 submissions from 2 submitters: Likely benign (1). 1 of the submissions does not count toward it. Last evaluated 2025-11-10.

Conditions:
PPM1K-related disorder. Also called: PPM1K-related condition.
Maple syrup urine disease, mild variant (MSUDMV). Identifiers: Orphanet 511, MedGen C3554575, MONDO:0014057, OMIM 615135.

Allele frequency attached by ClinVar (database versions not stated): gnomAD 0.00081 and 0.00074; gnomAD exomes 0.00007 and 0.00014; ExAC 0.00020; ESP Exome Variant Server 0.00054; 1000 Genomes Project 0.00060; 1000 Genomes Project 30x 0.00062; TOPMed 0.00067.
gnomAD v4.1: 218 of 1,614,162 alleles (0.014%); highest among the groups gnomAD compares: African/African-American, 0.23%; 1 homozygote.

Submissions (2):

Labcorp Genetics (formerly Invitae), Labcorp
Classification: Likely benign for Maple syrup urine disease, mild variant. Last evaluated: 2025-11-10. Review status: criteria provided, single submitter. Criteria: Invitae Variant Classification Sherloc (09022015). Collection method: clinical testing. Allele origin: germline.

PreventionGenetics, part of Exact Sciences
Classification: Likely benign for PPM1K-related condition. Last evaluated: 2019-06-19. Review status: no assertion criteria provided. Collection method: clinical testing. Allele origin: germline. Not counted in ClinVar's aggregate classification.
Comment: This variant is classified as likely benign based on ACMG/AMP sequence variant interpretation guidelines (Richards et al. 2015 PMID: 25741868, with internal and published modifications).